The following is an entry in ClinVar:

ClinVar aggregate classification (germline): Pathogenic/Likely pathogenic. Review status: criteria provided, multiple submitters, no conflicts (2 of 4 stars). 2 submissions from 2 submitters: Pathogenic (1); Likely pathogenic (1). Last evaluated 2021-03-10.

Submissions (2):

Labcorp Genetics (formerly Invitae), Labcorp
Classification: Pathogenic. Last evaluated: 2021-03-10. Review status: criteria provided, single submitter. Criteria: Invitae Variant Classification Sherloc (09022015). Collection method: clinical testing. Allele origin: germline.
Comment: This sequence change creates a premature translational stop signal (p.Cys104Alafs*15) in the PCDH12 gene. It is expected to result in an absent or disrupted protein product. Loss-of-function variants in PCDH12 are known to be pathogenic (PMID: 27164683, 29556033). This variant is not present in population databases (ExAC no frequency). This variant has not been reported in the literature in individuals with PCDH12-related conditions. For these reasons, this variant has been classified as Pathogenic.

Greenwood Genetic Center Diagnostic Laboratories, Greenwood Genetic Center
Classification: Likely pathogenic. Last evaluated: 2021-01-08. Review status: criteria provided, single submitter. Criteria: ACMG Guidelines, 2015. Collection method: clinical testing. Allele origin: germline. Affected: yes.
Comment: PVS1, PM2

Literature cited by the submitters: PubMed 27164683 (cited by Labcorp Genetics (formerly Invitae), Labcorp); PubMed 29556033 (cited by Labcorp Genetics (formerly Invitae), Labcorp).

NM_016580.4(PCDH12):c.309del (p.Cys104fs)

Genes: PCDH12 (protocadherin 12; minus strand), RNF14 (ring finger protein 14; plus strand). Cytogenetic location: 5q31.3.
Variant type: Deletion.
Coding change: c.309del on transcript NM_016580.4 (MANE Select); coding-DNA position 309, one base deleted (C; older notation c.309delC).
Protein change: p.Cys104fs; shifts the reading frame from cysteine 104.
Molecular consequence: frameshift variant.
Genome position (GRCh38, 1-based): chr5:141,957,543, G deleted on the plus strand (C on the coding strand, the reverse complement: PCDH12 is on the minus strand); the first of 3 consecutive G bases (chr5:141,957,543-141,957,545); deleting any one gives the same sequence. VCF-style (leftmost placement, unchanged base first): chr5-141957542-AG-A. GRCh37 (hg19) VCF-style: chr5-141337107-AG-A.
Other names: short protein forms C104fs.
Identifiers: ClinVar variation 1331634 (VCV001331634.6), dbSNP rs1753206427, ClinGen allele CA1082285132.